The following is an entry in ClinVar:

NM_207346.3(TSEN54):c.895G>T (p.Glu299Ter)

Gene: TSEN54 (tRNA splicing endonuclease subunit 54; plus strand). Cytogenetic location: 17q25.1.
Variant type: single nucleotide variant.
Coding change: c.895G>T on transcript NM_207346.3 (MANE Select); coding-DNA position 895, G replaced by T.
Protein change: p.Glu299Ter; replaces glutamic acid 299 with a stop codon.
Molecular consequence: nonsense.
Genome position (GRCh38, 1-based): chr17:75,521,976, G>T. VCF-style: chr17-75521976-G-T. GRCh37 (hg19) VCF-style: chr17-73518057-G-T.
Other names: short protein forms E299*.
Identifiers: ClinVar variation 4731262 (VCV004731262.1).

ClinVar aggregate classification (germline): Pathogenic (1 of 4 stars; one submission).

Submission:

Labcorp Genetics (formerly Invitae), Labcorp
Classification: Pathogenic. Last evaluated: 2025-11-15. Review status: criteria provided, single submitter. Criteria: Invitae Variant Classification Sherloc (09022015). Collection method: clinical testing. Allele origin: germline.
Comment: This sequence change creates a premature translational stop signal (p.Glu299*) in the TSEN54 gene. It is expected to result in an absent or disrupted protein product. Loss-of-function variants in TSEN54 are known to be pathogenic (PMID: 18711368, 20952379). This variant is not present in population databases (gnomAD no frequency). This variant has not been reported in the literature in individuals affected with TSEN54-related conditions. For these reasons, this variant has been classified as Pathogenic.

Literature cited by the submitters: PubMed 18711368; PubMed 20952379.